The following is an entry in ClinVar:

ClinVar aggregate classification (germline): Likely benign (1 of 4 stars; one submission).

Conditions:
Neuroblastoma (NB). Identifiers: Orphanet 635, MedGen C0027819, MeSH D009447, MONDO:0005072, HP:0003006.

Allele frequency attached by ClinVar (database versions not stated): gnomAD 0.00001; gnomAD exomes 0.00004; ExAC 0.00012; 1000 Genomes Project 30x 0.00031.
gnomAD v4.1: 21 of 717,758 alleles (0.0029%); highest among the groups gnomAD compares: South Asian, 0.03%; no homozygotes.

Submission:

Illumina Laboratory Services, Illumina
Classification: Likely benign for Neuroblastoma. Last evaluated: 2018-01-13. Review status: criteria provided, single submitter. Criteria: ICSL Variant Classification Criteria 13 December 2019. Collection method: clinical testing. Allele origin: germline.
Comment: This variant was observed in the ICSL laboratory as part of a predisposition screen in an ostensibly healthy population. It had not been previously curated by ICSL or reported in the Human Gene Mutation Database (HGMD: prior to June 1st, 2018), and was therefore a candidate for classification through an automated scoring system. Utilizing variant allele frequency, disease prevalence and penetrance estimates, and inheritance mode, an automated score was calculated to assess if this variant is too frequent to cause the disease. Based on the score and internal cut-off values, a variant classified as likely benign is not then subjected to further curation. The score for this variant resulted in a classification of likely benign for this disease.

NM_001365951.3(KIF1B):c.*1715G>T

Gene: KIF1B (kinesin family member 1B; plus strand). Cytogenetic location: 1p36.22.
Variant type: single nucleotide variant.
Coding change: c.*1715G>T on transcript NM_001365951.3 (MANE Select); 1715 bases downstream of the stop codon, G replaced by T.
Molecular consequence: 3 prime UTR variant.
Genome position (GRCh38, 1-based): chr1:10,378,302, G>T. VCF-style: chr1-10378302-G-T. GRCh37 (hg19) VCF-style: chr1-10438360-G-T.
Other names: c.*1715G>T (NM_001365952.1, NM_015074.3).
Identifiers: ClinVar variation 291611 (VCV000291611.5), dbSNP rs755083691, ClinGen allele CA582375.